The following is an entry in ClinVar:

ClinVar aggregate classification (germline): Uncertain significance (1 of 4 stars; one submission).

Conditions:
Emery-Dreifuss muscular dystrophy 5, autosomal dominant (EDMD5). Also called: EMERY-DREIFUSS MUSCULAR DYSTROPHY 5. Identifiers: Orphanet 261, MedGen C2751805, MONDO:0013072, OMIM 612999.

Submission:

Labcorp Genetics (formerly Invitae), Labcorp
Classification: Uncertain significance for Emery-Dreifuss muscular dystrophy 5, autosomal dominant. Last evaluated: 2025-04-07. Review status: criteria provided, single submitter. Criteria: Invitae Variant Classification Sherloc (09022015). Collection method: clinical testing. Allele origin: germline.
Comment: This sequence change replaces glycine, which is neutral and non-polar, with lysine, which is basic and polar, at codon 644 of the SYNE2 protein (p.Gly644Lys). Information on the frequency of this variant in the gnomAD database is not available, as this variant may be reported differently in the database. This variant has not been reported in the literature in individuals affected with SYNE2-related conditions. ClinVar contains an entry for this variant (Variation ID: 2148910). An algorithm developed to predict the effect of missense changes on protein structure and function (PolyPhen-2) suggests that this variant is likely to be tolerated. In summary, the available evidence is currently insufficient to determine the role of this variant in disease. Therefore, it has been classified as a Variant of Uncertain Significance.

NM_182914.3(SYNE2):c.1930_1931delinsAA (p.Gly644Lys)

Gene: SYNE2 (spectrin repeat containing nuclear envelope protein 2; plus strand). Cytogenetic location: 14q23.2.
Variant type: Indel.
Coding change: c.1930_1931delinsAA on transcript NM_182914.3 (MANE Select); coding-DNA positions 1930 to 1931, GG replaced by AA.
Protein change: p.Gly644Lys; replaces glycine 644 with lysine.
Molecular consequence: missense variant.
Genome position (GRCh38, 1-based): chr14:63,982,723-63,982,724, GG replaced by AA. VCF-style: chr14-63982723-GG-AA. GRCh37 (hg19) VCF-style: chr14-64449441-GG-AA.
Other names: c.1930_1931delinsAA, p.Gly644Lys (NM_015180.6); short protein forms G644K.
Identifiers: ClinVar variation 2148910 (VCV002148910.4), dbSNP rs2550878501, ClinGen allele CA2580088335.